The following is an entry in ClinVar:

NM_002294.3(LAMP2):c.1093+2440_1093+2441del

Gene: LAMP2 (lysosome associated membrane protein 2; minus strand). Cytogenetic location: Xq24.
Variant type: Deletion.
Coding change: c.1093+2440_1093+2441del on transcript NM_002294.3 (MANE Select); bases 2440 to 2441 of the intron after coding-DNA position 1093, 2 bases deleted (AA; older notation c.1093+2440_1093+2441delAA).
Molecular consequence: intron variant. On other transcripts: frameshift variant (1).
Genome position (GRCh38, 1-based): chrX:120,439,289-120,439,290, TT deleted on the plus strand (AA on the coding strand, the reverse complement: LAMP2 is on the minus strand). VCF-style (leftmost placement, unchanged base first): chrX-120439288-CTT-C. GRCh37 (hg19) VCF-style: chrX-119573143-CTT-C.
Other names: c.1097_1098del, p.Gln366fs (NM_013995.2); c.1093+2440_1093+2441del (NM_001122606.1); short protein forms Q366fs.
Identifiers: ClinVar variation 1410728 (VCV001410728.10), dbSNP rs2147277541, ClinGen allele CA2573159182.

ClinVar aggregate classification (germline): Uncertain significance. Review status: criteria provided, single submitter (1 of 4 stars). 2 submissions from 2 submitters: Uncertain significance (1). 1 of the submissions does not count toward it. Last evaluated 2022-03-08.

Conditions:
Danon disease. Also called: PSEUDOGLYCOGENOSIS II; Glycogen Storage Disease Type IIb; ANTOPOL DISEASE; GSD IIb; LYSOSOMAL GLYCOGEN STORAGE DISEASE WITHOUT ACID MALTASE DEFICIENCY. Identifiers: Orphanet 34587, MedGen C0878677, MONDO:0010281, OMIM 300257.

Submissions (2):

Labcorp Genetics (formerly Invitae), Labcorp
Classification: Uncertain significance for Danon disease. Last evaluated: 2022-03-08. Review status: criteria provided, single submitter. Criteria: Invitae Variant Classification Sherloc (09022015). Collection method: clinical testing. Allele origin: germline.
Comment: Studies have shown that this variant alters LAMP2 gene expression (PMID: 10972294). This variant is also known as c.1097_1098delAA (p.Gln366Argfs*6). This variant has been observed in individual(s) with Danon disease (PMID: 10972294). This variant is not present in population databases (gnomAD no frequency). This sequence change falls in intron 8 of the LAMP2 gene. It does not directly change the encoded amino acid sequence of the LAMP2 protein. It affects a nucleotide within the consensus splice site. Variants that disrupt the consensus splice site are a relatively common cause of aberrant splicing (PMID: 17576681, 9536098). Algorithms developed to predict the effect of sequence changes on RNA splicing suggest that this variant is not likely to affect RNA splicing. In summary, the available evidence is currently insufficient to determine the role of this variant in disease. Therefore, it has been classified as a Variant of Uncertain Significance.

OMIM
Classification: Pathogenic for DANON DISEASE. Last evaluated: 2000-08-24. Review status: no assertion criteria provided. Collection method: literature only. Allele origin: germline. Not counted in ClinVar's aggregate classification.

Literature cited by the submitters: PubMed 10972294 (cited by Labcorp Genetics (formerly Invitae), Labcorp and OMIM); PubMed 17576681 (cited by Labcorp Genetics (formerly Invitae), Labcorp); PubMed 9536098 (cited by Labcorp Genetics (formerly Invitae), Labcorp).